The following is an entry in ClinVar:

ClinVar aggregate classification (germline): Uncertain significance (1 of 4 stars; one submission).

Submission:

GeneDx
Classification: Uncertain significance. Last evaluated: 2023-05-03. Review status: criteria provided, single submitter. Criteria: GeneDx Variant Classification Process June 2021. Collection method: clinical testing. Allele origin: germline. Affected: yes.
Comment: Not observed at significant frequency in large population cohorts (gnomAD); In silico analysis supports that this missense variant does not alter protein structure/function; Has not been previously published as pathogenic or benign to our knowledge

NM_016148.5(SHANK1):c.2104C>A (p.Leu702Met)

Gene: SHANK1 (SH3 and multiple ankyrin repeat domains 1; minus strand). Cytogenetic location: 19q13.33.
Variant type: single nucleotide variant.
Coding change: c.2104C>A on transcript NM_016148.5 (MANE Select); coding-DNA position 2104, C replaced by A.
Protein change: p.Leu702Met; replaces leucine 702 with methionine.
Molecular consequence: missense variant.
Genome position (GRCh38, 1-based): chr19:50,688,912, G>T on the plus strand (C>A on the coding strand, the complement: SHANK1 is on the minus strand). VCF-style: chr19-50688912-G-T. GRCh37 (hg19) VCF-style: chr19-51192169-G-T.
Other names: short protein forms L702M.
Identifiers: ClinVar variation 2663406 (VCV002663406.1), dbSNP rs1204103593, ClinGen allele CA407026318.